The following is an entry in ClinVar:

ClinVar aggregate classification (germline): Uncertain significance (1 of 4 stars; one submission).

Conditions:
Familial cancer of breast. Also called: Hereditary breast cancer; BREAST CANCER, FAMILIAL; hereditary breast carcinoma. Identifiers: Orphanet 227535, MedGen C0346153, MONDO:0016419, OMIM 114480. Disease mechanism: loss of function.

Submission:

Labcorp Genetics (formerly Invitae), Labcorp
Classification: Uncertain significance for Familial cancer of breast. Last evaluated: 2022-07-18. Review status: criteria provided, single submitter. Criteria: Invitae Variant Classification Sherloc (09022015). Collection method: clinical testing. Allele origin: germline.
Comment: In summary, the available evidence is currently insufficient to determine the role of this variant in disease. Therefore, it has been classified as a Variant of Uncertain Significance. Algorithms developed to predict the effect of sequence changes on RNA splicing suggest that this variant may disrupt the consensus splice site. Algorithms developed to predict the effect of missense changes on protein structure and function are either unavailable or do not agree on the potential impact of this missense change (SIFT: "Deleterious"; PolyPhen-2: "Probably Damaging"; Align-GVGD: "Class C0"). This variant has not been reported in the literature in individuals affected with CHEK2-related conditions. This variant is not present in population databases (gnomAD no frequency). This sequence change replaces phenylalanine, which is neutral and non-polar, with cysteine, which is neutral and slightly polar, at codon 427 of the CHEK2 protein (p.Phe427Cys).

NM_007194.4(CHEK2):c.1280T>G (p.Phe427Cys)

Gene: CHEK2 (checkpoint kinase 2; minus strand). Cytogenetic location: 22q12.1.
Variant type: single nucleotide variant.
Coding change: c.1280T>G on transcript NM_007194.4 (MANE Select); coding-DNA position 1280, T replaced by G.
Protein change: p.Phe427Cys; replaces phenylalanine 427 with cysteine.
Molecular consequence: missense variant.
Genome position (GRCh38, 1-based): chr22:28,695,222, A>C on the plus strand (T>G on the coding strand, the complement: CHEK2 is on the minus strand). VCF-style: chr22-28695222-A-C. GRCh37 (hg19) VCF-style: chr22-29091210-A-C.
Other names: c.1409T>G, p.Phe470Cys (NM_001005735.3); c.617T>G, p.Phe206Cys (NM_001257387.3); c.1079T>G, p.Phe360Cys (NM_001349956.3); c.1193T>G, p.Phe398Cys (NM_145862.3); short protein forms F398C, F360C, F470C, F206C, F427C.
Identifiers: ClinVar variation 2018009 (VCV002018009.4), dbSNP rs1601720056, ClinGen allele CA411096252.